The following is an entry in ClinVar:

NM_014956.5(CEP164):c.393+5G>A

Gene: CEP164 (centrosomal protein 164; plus strand). Cytogenetic location: 11q23.3.
Variant type: single nucleotide variant.
Coding change: c.393+5G>A on transcript NM_014956.5 (MANE Select); 5 bases into the intron after coding-DNA position 393, G replaced by A.
Molecular consequence: intron variant.
Genome position (GRCh38, 1-based): chr11:117,351,993, G>A. VCF-style: chr11-117351993-G-A. GRCh37 (hg19) VCF-style: chr11-117222709-G-A.
Other names: c.393+5G>A (NM_001271933.2, NM_014956.4).
Identifiers: ClinVar variation 1428063 (VCV001428063.8), dbSNP rs1230691362, ClinGen allele CA672263001.

ClinVar aggregate classification (germline): Uncertain significance. Review status: criteria provided, multiple submitters, no conflicts (2 of 4 stars). 3 submissions from 3 submitters: Uncertain significance (3). Last evaluated 2025-01-23.

Conditions:
Nephronophthisis 15 (NPHP15). Identifiers: Orphanet 3156, MedGen C3541853, MONDO:0013917, OMIM 614845.
CEP164-related disorder. Also called: CEP164-related condition.

Allele frequency attached by ClinVar (database versions not stated): gnomAD exomes 0.00001; TOPMed 0.00001.
gnomAD v4.1: 12 of 1,561,836 alleles (0.00077%); highest among the groups gnomAD compares: Non-Finnish European, 0.001%; no homozygotes.

Submissions (3):

PreventionGenetics, part of Exact Sciences
Classification: Uncertain significance for CEP164-related condition. Last evaluated: 2025-01-23. Review status: criteria provided, single submitter. Criteria: ACMG Guidelines, 2015. Collection method: clinical testing. Allele origin: germline.
Comment: The CEP164 c.393+5G>A variant is predicted to interfere with splicing. This variant is predicted to impact splicing (SpliceAI, Jaganathan et al. 2019. PubMed ID: 30661751). To our knowledge, this variant has not been reported in the literature or in a large population database (gnomAD), indicating this variant is rare. At this time, the clinical significance of this variant is uncertain due to the absence of conclusive functional and genetic evidence.

Fulgent Genetics
Classification: Uncertain significance for Nephronophthisis 15. Last evaluated: 2024-01-18. Review status: criteria provided, single submitter. Criteria: ACMG Guidelines, 2015. Collection method: clinical testing. Allele origin: germline.

Labcorp Genetics (formerly Invitae), Labcorp
Classification: Uncertain significance for Nephronophthisis 15. Last evaluated: 2023-08-24. Review status: criteria provided, single submitter. Criteria: Invitae Variant Classification Sherloc (09022015). Collection method: clinical testing. Allele origin: germline.
Comment: Variants that disrupt the consensus splice site are a relatively common cause of aberrant splicing (PMID: 17576681, 9536098). Algorithms developed to predict the effect of sequence changes on RNA splicing suggest that this variant may disrupt the consensus splice site. ClinVar contains an entry for this variant (Variation ID: 1428063). This variant has not been reported in the literature in individuals affected with CEP164-related conditions. This variant is not present in population databases (gnomAD no frequency). This sequence change falls in intron 5 of the CEP164 gene. It does not directly change the encoded amino acid sequence of the CEP164 protein. It affects a nucleotide within the consensus splice site. In summary, the available evidence is currently insufficient to determine the role of this variant in disease. Therefore, it has been classified as a Variant of Uncertain Significance.

Literature cited by the submitters: PubMed 17576681 (cited by Labcorp Genetics (formerly Invitae), Labcorp); PubMed 9536098 (cited by Labcorp Genetics (formerly Invitae), Labcorp).